The following is an entry in ClinVar:

NM_000784.4(CYP27A1):c.1286A>G (p.Tyr429Cys)

Gene: CYP27A1 (cytochrome P450 family 27 subfamily A member 1; plus strand). Cytogenetic location: 2q35.
Variant type: single nucleotide variant.
Coding change: c.1286A>G on transcript NM_000784.4 (MANE Select); coding-DNA position 1286, A replaced by G.
Protein change: p.Tyr429Cys; replaces tyrosine 429 with cysteine.
Molecular consequence: missense variant.
Genome position (GRCh38, 1-based): chr2:218,814,567, A>G. VCF-style: chr2-218814567-A-G. GRCh37 (hg19) VCF-style: chr2-219679290-A-G.
Other names: c.1286A>G (NM_000784.3); short protein forms Y429C.
Identifiers: ClinVar variation 290429 (VCV000290429.10), dbSNP rs774127681, ClinGen allele CA2112868.

ClinVar aggregate classification (germline): Uncertain significance. Review status: criteria provided, multiple submitters, no conflicts (2 of 4 stars). 4 submissions from 4 submitters: Uncertain significance (4). Last evaluated 2026-04-04.

Conditions:
Cholestanol storage disease (CTX). Also called: CEREBRAL CHOLESTERINOSIS; Cerebrotendinous Xanthomatosis; CTX: Cerebrotendinous xanthomatosis. Identifiers: Orphanet 909, MedGen C0238052, MONDO:0008948, OMIM 213700.
CYP27A1-related disorder. Also called: CYP27A1-related condition.
Cardiovascular phenotype. Identifiers: MedGen CN230736.

Allele frequency attached by ClinVar (database versions not stated): TOPMed 0.00001; ExAC 0.00002; gnomAD 0.00002 and 0.00003.

Submissions (4):

PreventionGenetics, part of Exact Sciences
Classification: Uncertain significance for CYP27A1-related condition. Last evaluated: 2026-04-04. Review status: criteria provided, single submitter. Criteria: ACMG Guidelines, 2015. Collection method: clinical testing. Allele origin: germline.
Comment: The CYP27A1 c.1286A>G variant is predicted to result in the amino acid substitution p.Tyr429Cys. To our knowledge, this variant has not been reported in the literature. This variant is reported in 0.025% of alleles in individuals of Latino descent in gnomAD. At this time, the clinical significance of this variant is uncertain due to the absence of conclusive functional and genetic evidence.

Ambry Genetics
Classification: Uncertain significance for Cardiovascular phenotype. Last evaluated: 2025-09-11. Review status: criteria provided, single submitter. Criteria: Ambry Variant Classification Scheme 2023. Collection method: clinical testing. Allele origin: germline.
Comment: The p.Y429C variant (also known as c.1286A>G), located in coding exon 8 of the CYP27A1 gene, results from an A to G substitution at nucleotide position 1286. The tyrosine at codon 429 is replaced by cysteine, an amino acid with highly dissimilar properties. This amino acid position is highly conserved in available vertebrate species. In addition, this alteration is predicted to be deleterious by in silico analysis. Based on the available evidence, the clinical significance of this variant remains unclear.

Labcorp Genetics (formerly Invitae), Labcorp
Classification: Uncertain significance for Cholestanol storage disease. Last evaluated: 2022-08-23. Review status: criteria provided, single submitter. Criteria: Invitae Variant Classification Sherloc (09022015). Collection method: clinical testing. Allele origin: germline.
Comment: This sequence change replaces tyrosine, which is neutral and polar, with cysteine, which is neutral and slightly polar, at codon 429 of the CYP27A1 protein (p.Tyr429Cys). This variant is present in population databases (rs774127681, gnomAD 0.03%). This variant has not been reported in the literature in individuals affected with CYP27A1-related conditions. ClinVar contains an entry for this variant (Variation ID: 290429). Algorithms developed to predict the effect of missense changes on protein structure and function are either unavailable or do not agree on the potential impact of this missense change (SIFT: "Deleterious"; PolyPhen-2: "Probably Damaging"; Align-GVGD: "Class C0"). In summary, the available evidence is currently insufficient to determine the role of this variant in disease. Therefore, it has been classified as a Variant of Uncertain Significance.

Eurofins Ntd Llc (ga)
Classification: Uncertain significance. Last evaluated: 2018-08-30. Review status: criteria provided, single submitter. Criteria: EGL ClinVar v180209 classification definitions. Collection method: clinical testing. Allele origin: germline. Observed: 3 variant alleles, 3 heterozygotes.